The following is an entry in ClinVar:

NM_000142.5(FGFR3):c.2066C>T (p.Thr689Met)

Gene: FGFR3 (fibroblast growth factor receptor 3; plus strand). Cytogenetic location: 4p16.3.
Variant type: single nucleotide variant.
Coding change: c.2066C>T on transcript NM_000142.5 (MANE Select); coding-DNA position 2066, C replaced by T.
Protein change: p.Thr689Met; replaces threonine 689 with methionine.
Molecular consequence: missense variant. On other transcripts: synonymous variant (1), non-coding transcript variant (1).
Genome position (GRCh38, 1-based): chr4:1,806,581, C>T. VCF-style: chr4-1806581-C-T. GRCh37 (hg19) VCF-style: chr4-1808308-C-T.
Other names: c.2072C>T, p.Thr691Met (NM_001163213.2); c.2069C>T, p.Thr690Met (NM_001354809.2); c.1998C>T, p.His666= (NM_001354810.2); c.1730C>T, p.Thr577Met (NM_022965.4); short protein forms T577M, T689M, T690M, T691M.
Identifiers: ClinVar variation 1176796 (VCV001176796.38), dbSNP rs1455074121, ClinGen allele CA355983467.

ClinVar aggregate classification (germline): Uncertain significance. Review status: criteria provided, multiple submitters, no conflicts (2 of 4 stars). 3 submissions from 3 submitters: Uncertain significance (3). Last evaluated 2026-06-23.

Conditions:
FGFR3-related chondrodysplasia. Identifiers: Orphanet 93420, MedGen C5681604, MONDO:0019685.

Allele frequency attached by ClinVar (database versions not stated): gnomAD exomes below 0.00001 and 0.00001; gnomAD 0.00001; TOPMed 0.00001.
gnomAD v4.1: 21 of 1,612,970 alleles (0.0013%); highest among the groups gnomAD compares: African/African-American, 0.0027%; no homozygotes.

Submissions (3):

Genomenon, Inc
Classification: Uncertain significance for FGFR3-related chondrodysplasia. Last evaluated: 2026-06-23. Review status: criteria provided, single submitter. Criteria: Genomenon Sequence Variant Interpretation Standards - Updated. Collection method: curation. Allele origin: germline. Affected: no.
Comment: FGFR3 p.Thr689Met (c.2066C>T) is a missense variant that changes the amino acid at codon 689 from Threonine to Methionine. This variant has been reported in the published literature (PMID:35591945). It is absent or not present at a significant frequency in gnomAD. In silico models predict that this variant is possibly or probably damaging. In conclusion, we classify FGFR3 p.Thr689Met (c.2066C>T) as a variant of uncertain significance.

Labcorp Genetics (formerly Invitae), Labcorp
Classification: Uncertain significance. Last evaluated: 2024-06-17. Review status: criteria provided, single submitter. Criteria: Invitae Variant Classification Sherloc (09022015). Collection method: clinical testing. Allele origin: germline.
Comment: This sequence change replaces threonine, which is neutral and polar, with methionine, which is neutral and non-polar, at codon 689 of the FGFR3 protein (p.Thr689Met). This variant is present in population databases (no rsID available, gnomAD 0.007%). This missense change has been observed in individual(s) with FGFR3-related conditions (PMID: 35591945). ClinVar contains an entry for this variant (Variation ID: 1176796). Advanced modeling of protein sequence and biophysical properties (such as structural, functional, and spatial information, amino acid conservation, physicochemical variation, residue mobility, and thermodynamic stability) has been performed at Invitae for this missense variant, however the output from this modeling did not meet the statistical confidence thresholds required to predict the impact of this variant on FGFR3 protein function. In summary, the available evidence is currently insufficient to determine the role of this variant in disease. Therefore, it has been classified as a Variant of Uncertain Significance.

CeGaT Center for Human Genetics Tuebingen
Classification: Uncertain significance. Last evaluated: 2021-06-01. Review status: criteria provided, single submitter. Criteria: CeGaT Center For Human Genetics Tuebingen Variant Classification Criteria Version 2. Collection method: clinical testing. Allele origin: germline. Affected: yes. Observed: 1 variant allele.

Literature cited by the submitters: PubMed 34272467 (cited by Genomenon, Inc); PubMed 35591945 (cited by Genomenon, Inc and Labcorp Genetics (formerly Invitae), Labcorp).